The following is an entry in ClinVar:

ClinVar aggregate classification (germline): Pathogenic (1 of 4 stars; one submission).

Conditions:
Costello syndrome (CSTLO). Also called: FACIOCUTANEOSKELETAL SYNDROME; HRAS-Related Costello Syndrome; FCS SYNDROME. Identifiers: Orphanet 3071, MedGen C0587248, MONDO:0009026, OMIM 218040.

Submission:

Labcorp Genetics (formerly Invitae), Labcorp
Classification: Pathogenic for Costello syndrome. Last evaluated: 2023-11-27. Review status: criteria provided, single submitter. Criteria: Invitae Variant Classification Sherloc (09022015). Collection method: clinical testing. Allele origin: germline.
Comment: This variant, c.186_206dup, results in the insertion of 7 amino acid(s) of the HRAS protein (p.Glu62_Arg68dup), but otherwise preserves the integrity of the reading frame. This variant is not present in population databases (gnomAD no frequency). This variant has been observed in individual(s) with clinical features of RASopathy (PMID: 32499600, 34618388; Invitae). In at least one individual the variant was observed to be de novo. ClinVar contains an entry for this variant (Variation ID: 462149). Algorithms developed to predict the effect of variants on protein structure and function are not available or were not evaluated for this variant. Experimental studies have shown that this variant affects HRAS function (PMID: 32499600, 34618388). For these reasons, this variant has been classified as Pathogenic.

Literature cited by the submitters: PubMed 32499600; PubMed 34618388.

NM_005343.4(HRAS):c.186_206dup (p.Glu62_Arg68dup)

Genes: HRAS (HRas proto-oncogene, GTPase; minus strand), LRRC56 (leucine rich repeat containing 56; plus strand). Cytogenetic location: 11p15.5.
Variant type: Duplication.
Coding change: c.186_206dup on transcript NM_005343.4 (MANE Select); coding-DNA positions 186 to 206, 21 bases duplicated (GGAGTACAGCGCCATGCGGGA).
Protein change: p.Glu62_Arg68dup.
Molecular consequence: inframe insertion. On other transcripts: 5 prime UTR variant (1).
Genome position (GRCh38, 1-based): chr11:533,850-533,870, TCCCGCATGGCGCTGTACTCC duplicated on the plus strand (GGAGTACAGCGCCATGCGGGA on the coding strand, the reverse complement: HRAS is on the minus strand); duplicating any 21 consecutive bases within chr11:533,850-533,873 gives the same sequence; the c. name uses the placement nearest the transcript's 3' end. VCF-style (leftmost placement, unchanged base first): chr11-533849-G-GTCCCGCATGGCGCTGTACTCC. GRCh37 (hg19) VCF-style: chr11-533849-G-GTCCCGCATGGCGCTGTACTCC.
Other names: c.186_206dup, p.Glu62_Arg68dup (NM_001130442.3, NM_176795.5); c.-134_-114dup (NM_001318054.2).
Identifiers: ClinVar variation 462149 (VCV000462149.11), dbSNP rs1554884966, ClinGen allele CA658656102.